The following is an entry in ClinVar:

NM_000094.4(COL7A1):c.5389-2_5389-1del

Genes: COL7A1 (collagen type VII alpha 1 chain; minus strand), MIR711 (microRNA 711; minus strand). Cytogenetic location: 3p21.31.
Variant type: Deletion.
Coding change: c.5389-2_5389-1del on transcript NM_000094.4 (MANE Select); the canonical splice acceptor site of the intron before coding-DNA position 5389, 2 bases deleted (AG; older notation c.5389-2_5389-1delAG).
Molecular consequence: splice acceptor variant. On other transcripts: non-coding transcript variant (1).
Genome position (GRCh38, 1-based): chr3:48,578,955-48,578,956, CT deleted on the plus strand (AG on the coding strand, the reverse complement: COL7A1 is on the minus strand). VCF-style (leftmost placement, unchanged base first): chr3-48578954-CCT-C. GRCh37 (hg19) VCF-style: chr3-48616387-CCT-C.
Other names: c.5389-2_5389-1delAG (NM_000094.3); c.5389-2_5389-1del (NM_000094.3).
Identifiers: ClinVar variation 2573362 (VCV002573362.2), dbSNP rs2531047469, ClinGen allele CA2580614228.

ClinVar aggregate classification (germline): Likely pathogenic. Review status: criteria provided, multiple submitters, no conflicts (2 of 4 stars). 2 submissions from 2 submitters: Likely pathogenic (2). Last evaluated 2024-09-28.

Conditions:
Epidermolysis bullosa dystrophica. Also called: Dystrophic epidermolysis bullosa, Hallopeau-Siemens type (formerly); Dystrophic epidermolysis bullosa. Identifiers: Orphanet 303, MedGen C0079294, MONDO:0006543.
COL7A1-related disorder. Also called: COL7A1-related condition; COL7A1- related disorders.

Submissions (2):

Natera, Inc.
Classification: Likely pathogenic for Dystrophic epidermolysis bullosa. Last evaluated: 2024-09-28. Review status: criteria provided, single submitter. Criteria: Natera Variant Classification Schema (03/2026). Collection method: clinical testing. Allele origin: germline.
Comment: The c.5389-2_5389-1del variant in COL7A1 is a canonical splice acceptor site variant predicted to affect pre-mRNA splicing, which may result in an abnormal transcript and altered protein product. This variant is expected to result in nonsense mediated decay, truncation, or a dysfunctional protein product. This variant is rare in the general population with a frequency below the threshold expected for the associated phenotype(s). Given the available evidence, this variant is classified as Likely Pathogenic.

Women's Health and Genetics/Laboratory Corporation of America, LabCorp
Classification: Likely pathogenic for COL7A1-Related Disorders. Last evaluated: 2023-06-27. Review status: criteria provided, single submitter. Criteria: LabCorp Variant Classification Summary - May 2015. Collection method: clinical testing. Allele origin: germline.
Comment: Variant summary: COL7A1 c.5389-2_5389-1delAG is located in a canonical splice-site and is predicted to affect mRNA splicing resulting in a significantly altered protein due to either exon skipping, shortening, or inclusion of intronic material. Several computational tools predict a significant impact on normal splicing: Three predict the variant abolishes a canonical 3' acceptor site and four predict the variant creates an alternative 3' acceptor site downstream. However, these predictions have yet to be confirmed by functional studies. The variant was absent in 250896 control chromosomes (gnomAD). To our knowledge, no occurrence of c.5389-2_5389-1delAG in individuals affected with Dystrophic Epidermolysis Bullosa and no experimental evidence demonstrating its impact on protein function have been reported. No submitters have cited clinical-significance assessments for this variant to ClinVar after 2014. Based on the evidence outlined above, the variant was classified as likely pathogenic.